The following is an entry in ClinVar:

ClinVar aggregate classification (germline): Likely benign. Review status: criteria provided, multiple submitters, no conflicts (2 of 4 stars). 3 submissions from 3 submitters: Likely benign (3). Last evaluated 2025-06-04.

Conditions:
Tuberous sclerosis syndrome (TSC). Also called: Tuberous sclerosis; Tuberous Sclerosis Complex. Identifiers: Orphanet 805, MedGen C0041341, MONDO:0001734.
Tuberous sclerosis 2 (TSC2). Identifiers: Orphanet 805, MedGen C1860707, MONDO:0013199, OMIM 613254.

Allele frequency attached by ClinVar (database versions not stated): TOPMed below 0.00001.
gnomAD v4.1: 1 of 1,612,644 alleles (0.000062%); no homozygotes.

Submissions (3):

Myriad Genetics, Inc.
Classification: Likely benign for Tuberous sclerosis 2. Last evaluated: 2025-06-04. Review status: criteria provided, single submitter. Criteria: Myriad Autosomal Dominant, Autosomal Recessive and X-Linked Classification Criteria (2023). Collection method: clinical testing. Allele origin: unknown.
Comment: This variant is considered likely benign. This variant is intronic and is not expected to impact mRNA splicing.

All of Us Research Program, National Institutes of Health
Classification: Likely benign for Tuberous sclerosis syndrome. Last evaluated: 2024-06-09. Review status: criteria provided, single submitter. Criteria: ACMG Guidelines, 2015. Collection method: clinical testing. Allele origin: germline. Inheritance: Autosomal dominant inheritance. Observed: 1 variant allele, 1 heterozygote.
Comment: This study involves interpretation of variants in research participants for the purpose of population health screening. Participant phenotype was not available at the time of variant classification. Additional details can be found in publication PMID: 35346344, PMCID: PMC8962531

Labcorp Genetics (formerly Invitae), Labcorp
Classification: Likely benign for Tuberous sclerosis 2. Last evaluated: 2022-06-15. Review status: criteria provided, single submitter. Criteria: Invitae Variant Classification Sherloc (09022015). Collection method: clinical testing. Allele origin: germline.

NM_000548.5(TSC2):c.4570-9G>A

Gene: TSC2 (TSC complex subunit 2; plus strand). Cytogenetic location: 16p13.3.
Variant type: single nucleotide variant.
Coding change: c.4570-9G>A on transcript NM_000548.5 (MANE Select); 9 bases into the intron before coding-DNA position 4570, G replaced by A.
Molecular consequence: intron variant.
Genome position (GRCh38, 1-based): chr16:2,085,221, G>A. VCF-style: chr16-2085221-G-A. GRCh37 (hg19) VCF-style: chr16-2135222-G-A.
Other names: c.4501-9G>A (NM_001114382.3); c.4441-9G>A (NM_021055.3, NM_001370405.1); c.4372-9G>A (NM_001363528.2); c.4438-9G>A (NM_001370404.1); c.4369-9G>A (NM_001077183.3); c.4261-9G>A (NM_001318827.2); c.3838-9G>A (NM_001318831.2); c.4225-9G>A (NM_001318829.2); and 1 more.
Identifiers: ClinVar variation 2006991 (VCV002006991.6), dbSNP rs1323293907, ClinGen allele CA718919812.